The following is an entry in ClinVar:

NM_000718.4(CACNA1B):c.2827C>A (p.Pro943Thr)

Gene: CACNA1B (calcium voltage-gated channel subunit alpha1 B; plus strand). Cytogenetic location: 9q34.3.
Variant type: single nucleotide variant.
Coding change: c.2827C>A on transcript NM_000718.4 (MANE Select); coding-DNA position 2827, C replaced by A.
Protein change: p.Pro943Thr; replaces proline 943 with threonine.
Molecular consequence: missense variant.
Genome position (GRCh38, 1-based): chr9:138,023,570, C>A. VCF-style: chr9-138023570-C-A. GRCh37 (hg19) VCF-style: chr9-140918022-C-A.
Other names: c.2827C>A, p.Pro943Thr (NM_001243812.2); c.2827C>A (NM_000718.3); short protein forms P943T.
Identifiers: ClinVar variation 2042277 (VCV002042277.2), dbSNP rs986733832, ClinGen allele CA201830474.

ClinVar aggregate classification (germline): Uncertain significance. Review status: criteria provided, multiple submitters, no conflicts (2 of 4 stars). 2 submissions from 2 submitters: Uncertain significance (2). Last evaluated 2024-07-13.

Allele frequency attached by ClinVar (database versions not stated): gnomAD 0.00001; TOPMed 0.00001.
gnomAD v4.1: 5 of 1,092,194 alleles (0.00046%); highest among the groups gnomAD compares: South Asian, 0.003%; no homozygotes.

Submissions (2):

GeneDx
Classification: Uncertain significance. Last evaluated: 2024-07-13. Review status: criteria provided, single submitter. Criteria: GeneDx Variant Classification Process June 2021. Collection method: clinical testing. Allele origin: germline. Affected: yes.
Comment: Not observed at significant frequency in large population cohorts (gnomAD); In silico analysis indicates that this missense variant does not alter protein structure/function; Has not been previously published as pathogenic or benign to our knowledge

Labcorp Genetics (formerly Invitae), Labcorp
Classification: Uncertain significance. Last evaluated: 2022-03-04. Review status: criteria provided, single submitter. Criteria: Invitae Variant Classification Sherloc (09022015). Collection method: clinical testing. Allele origin: germline.
Comment: This sequence change replaces proline, which is neutral and non-polar, with threonine, which is neutral and polar, at codon 943 of the CACNA1B protein (p.Pro943Thr). This variant is not present in population databases (gnomAD no frequency). This variant has not been reported in the literature in individuals affected with CACNA1B-related conditions. Advanced modeling of protein sequence and biophysical properties (such as structural, functional, and spatial information, amino acid conservation, physicochemical variation, residue mobility, and thermodynamic stability) performed at Invitae indicates that this missense variant is not expected to disrupt CACNA1B protein function. In summary, the available evidence is currently insufficient to determine the role of this variant in disease. Therefore, it has been classified as a Variant of Uncertain Significance.